The following is an entry in ClinVar:

ClinVar aggregate classification (germline): Uncertain significance (1 of 4 stars; one submission).

Submission:

GeneDx
Classification: Uncertain significance. Last evaluated: 2019-10-24. Review status: criteria provided, single submitter. Criteria: GeneDx Variant Classification Process June 2021. Collection method: clinical testing. Allele origin: germline. Affected: yes.
Comment: Not observed in large population cohorts (Lek et al., 2016); In silico analysis, which includes protein predictors and evolutionary conservation, supports that this variant does not alter protein structure/function; This variant is associated with the following publications: (PMID: 31443933)

NM_001039591.3(USP9X):c.235A>G (p.Ile79Val)

Gene: USP9X (ubiquitin specific peptidase 9 X-linked; plus strand). Cytogenetic location: Xp11.4.
Variant type: single nucleotide variant.
Coding change: c.235A>G on transcript NM_001039591.3 (MANE Select); coding-DNA position 235, A replaced by G.
Protein change: p.Ile79Val; replaces isoleucine 79 with valine.
Molecular consequence: missense variant.
Genome position (GRCh38, 1-based): chrX:41,129,138, A>G. VCF-style: chrX-41129138-A-G. GRCh37 (hg19) VCF-style: chrX-40988391-A-G.
Other names: c.235A>G, p.Ile79Val (NM_001039590.3); short protein forms I79V.
Identifiers: ClinVar variation 1309701 (VCV001309701.2), dbSNP rs2147006117, ClinGen allele CA412760681.